The following is an entry in ClinVar:

NM_000212.3(ITGB3):c.1297C>G (p.Pro433Ala)

Gene: ITGB3 (integrin subunit beta 3; plus strand). Cytogenetic location: 17q21.32.
Variant type: single nucleotide variant.
Coding change: c.1297C>G on transcript NM_000212.3 (MANE Select); coding-DNA position 1297, C replaced by G.
Protein change: p.Pro433Ala; replaces proline 433 with alanine.
Molecular consequence: missense variant.
Genome position (GRCh38, 1-based): chr17:47,292,175, C>G. VCF-style: chr17-47292175-C-G. GRCh37 (hg19) VCF-style: chr17-45369541-C-G.
Other names: P407A; short protein forms P433A.
Identifiers: ClinVar variation 13559 (VCV000013559.10), dbSNP rs121918448, ClinGen allele CA123238.

ClinVar aggregate classification (germline): Uncertain significance. Review status: criteria provided, multiple submitters, no conflicts (2 of 4 stars). 4 submissions from 4 submitters: Uncertain significance (3). 1 of the submissions does not count toward it. Last evaluated 2026-01-12.

Conditions:
ITGB3-related disorder. Also called: ITGB3-related condition.
Mo ALLOANTIGEN POLYMORPHISM.

Allele frequency attached by ClinVar (database versions not stated): gnomAD 0.00003; TOPMed 0.00004; 1000 Genomes Project 30x 0.00016; 1000 Genomes Project 0.00020.
gnomAD v4.1: 67 of 1,614,154 alleles (0.0042%); highest among the groups gnomAD compares: Middle Eastern, 0.016%; no homozygotes.

Submissions (4):

Labcorp Genetics (formerly Invitae), Labcorp
Classification: Uncertain significance. Last evaluated: 2026-01-12. Review status: criteria provided, single submitter. Criteria: Invitae Variant Classification Sherloc (09022015). Collection method: clinical testing. Allele origin: germline.
Comment: This sequence change replaces proline, which is neutral and non-polar, with alanine, which is neutral and non-polar, at codon 433 of the ITGB3 protein (p.Pro433Ala). This variant is present in population databases (rs121918448, gnomAD 0.005%). This missense change has been observed in individual(s) with macrothrombocytopenia (PMID: 8093349). This variant is also known as Proline407/Alanine407; Pro407Ser. ClinVar contains an entry for this variant (Variation ID: 13559). Invitae Evidence Modeling of protein sequence and biophysical properties (such as structural, functional, and spatial information, amino acid conservation, physicochemical variation, residue mobility, and thermodynamic stability) indicates that this missense variant is expected to disrupt ITGB3 protein function with a positive predictive value of 95%. In summary, the available evidence is currently insufficient to determine the role of this variant in disease. Therefore, it has been classified as a Variant of Uncertain Significance.

PreventionGenetics, part of Exact Sciences
Classification: Uncertain significance for ITGB3-related condition. Last evaluated: 2025-11-17. Review status: criteria provided, single submitter. Criteria: ACMG Guidelines, 2015. Collection method: clinical testing. Allele origin: germline.
Comment: The ITGB3 c.1297C>G variant is predicted to result in the amino acid substitution p.Pro433Ala. This variant is alternatively referred to as Pro407Ala using legacy nomenclature. It has been reported in the heterozygous state in a newborn with neonatal alloimmune thrombocytopenia (NAIT) (Kuijpers et al. 1993. PubMed ID: 8093349). None of the heterozygous carriers in this family were reported to have increased tendency of bleeding or thrombosis. This variant is recognized as a human platelet antigen by the International Society of Blood Transfusion (ISBT) (Sachs et al. 2025. PubMed ID: 41089465). This variant is reported in 0.0046% of alleles in individuals of European (non-Finnish) descent in gnomAD. At this time, the clinical significance of this variant is uncertain due to the absence of conclusive functional and genetic evidence.

Genetic Services Laboratory, University of Chicago
Classification: Uncertain significance. Last evaluated: 2021-07-26. Review status: criteria provided, single submitter. Criteria: ACMG Guidelines, 2015. Collection method: clinical testing. Allele origin: germline. Affected: no.
Comment: DNA sequence analysis of the ITGB3 gene demonstrated a sequence change, c.1297C>G, in exon 10 that results in an amino acid change, p.Pro433Ala. This sequence change has been described in the gnomAD database with frequency of 0.0046% in the non-Finnish European subpopulation (dbSNP rs121918448). The p.Pro433Ala change affects a highly conserved amino acid residue located in a domain of the ITGB3 protein that is known to be functional. The p.Pro433Ala substitution appears to be deleterious using several in-silico pathogenicity prediction tools (SIFT, PolyPhen2, Align GVGD, REVEL). This sequence change has been reported in a case of neonatal alloimmune thrombocytopenia (PMID: 8093349). Due to insufficient evidences and the lack of functional studies, the clinical significance of the p.Pro433Ala change remains unknown at this time.

OMIM
Classification: Benign for Mo ALLOANTIGEN POLYMORPHISM. Last evaluated: 1993-01-01. Review status: no assertion criteria provided. Collection method: literature only. Allele origin: germline. Not counted in ClinVar's aggregate classification.

Literature cited by the submitters: PubMed 8093349 (cited by Labcorp Genetics (formerly Invitae), Labcorp and OMIM); PubMed 2257303 (cited by OMIM).